The following is an entry in ClinVar:

NM_144999.4(LRRC45):c.231G>A (p.Leu77=)

Gene: LRRC45 (leucine rich repeat containing 45; plus strand). Cytogenetic location: 17q25.3.
Variant type: single nucleotide variant.
Coding change: c.231G>A on transcript NM_144999.4 (MANE Select); coding-DNA position 231, G replaced by A.
Protein change: p.Leu77=; no amino-acid change (leucine 77 retained).
Molecular consequence: synonymous variant.
Genome position (GRCh38, 1-based): chr17:82,024,288, G>A. VCF-style: chr17-82024288-G-A. GRCh37 (hg19) VCF-style: chr17-79982164-G-A.
Identifiers: ClinVar variation 4990936 (VCV004990936.1).

ClinVar aggregate classification (germline): Likely benign (1 of 4 stars; one submission).

Conditions:
LRRC45-related disorder. Also called: LRRC45-related condition.

Submission:

PreventionGenetics, part of Exact Sciences
Classification: Likely benign for LRRC45-related condition. Last evaluated: 2025-10-21. Review status: criteria provided, single submitter. Criteria: ACMG Guidelines, 2015. Collection method: clinical testing. Allele origin: germline.
Comment: This variant is classified as likely benign based on ACMG/AMP sequence variant interpretation guidelines (Richards et al. 2015 PMID: 25741868, with internal and published modifications).